The following is an entry in ClinVar:

NM_001128840.3(CACNA1D):c.1081A>G (p.Ile361Val)

Gene: CACNA1D (calcium voltage-gated channel subunit alpha1 D; plus strand). Cytogenetic location: 3p21.1.
Variant type: single nucleotide variant.
Coding change: c.1081A>G on transcript NM_001128840.3 (MANE Select); coding-DNA position 1081, A replaced by G.
Protein change: p.Ile361Val; replaces isoleucine 361 with valine.
Molecular consequence: missense variant.
Genome position (GRCh38, 1-based): chr3:53,666,500, A>G. VCF-style: chr3-53666500-A-G. GRCh37 (hg19) VCF-style: chr3-53700527-A-G.
Other names: c.1081A>G, p.Ile361Val (NM_000720.4, NM_001128839.3); short protein forms I361V.
Identifiers: ClinVar variation 3361515 (VCV003361515.1).

ClinVar aggregate classification (germline): Uncertain significance (1 of 4 stars; one submission).

Submission:

GeneDx
Classification: Uncertain significance. Last evaluated: 2023-07-25. Review status: criteria provided, single submitter. Criteria: GeneDx Variant Classification Process June 2021. Collection method: clinical testing. Allele origin: germline. Affected: yes.
Comment: Not observed at significant frequency in large population cohorts (gnomAD); In silico analysis supports that this missense variant does not alter protein structure/function; Has not been previously published as pathogenic or benign to our knowledge